The following is an entry in ClinVar:

ClinVar aggregate classification (germline): Likely pathogenic. Review status: criteria provided, multiple submitters, no conflicts (2 of 4 stars). 3 submissions from 3 submitters: Likely pathogenic (2). 1 of the submissions does not count toward it. Last evaluated 2025-06-03.

Conditions:
Hereditary cancer-predisposing syndrome. Also called: Tumor predisposition; Hereditary Cancer Syndrome; Hereditary neoplastic syndrome; Neoplastic Syndromes, Hereditary. Identifiers: Orphanet 140162, MedGen C0027672, MeSH D009386, MONDO:0015356.
Microcephaly, normal intelligence and immunodeficiency (NBS). Also called: Microcephaly with normal intelligence immunodeficiency and lymphoreticular malignancies; Nonsyndromal microcephaly autosomal recessive with normal intelligence; Seemanova syndrome 2; SEEMANOVA SYNDROME II; Ataxia telangiectasia variant V1; Immunodeficiency, microcephaly with normal intelligence. Identifiers: Orphanet 647, MedGen C0398791, MONDO:0009623, OMIM 251260.

Allele frequency attached by ClinVar (database versions not stated): gnomAD exomes below 0.00001; TOPMed below 0.00001; gnomAD 0.00001.

Submissions (3):

Labcorp Genetics (formerly Invitae), Labcorp
Classification: Likely pathogenic for Microcephaly, normal intelligence and immunodeficiency. Last evaluated: 2025-06-03. Review status: criteria provided, single submitter. Criteria: Invitae Variant Classification Sherloc (09022015). Collection method: clinical testing. Allele origin: germline.
Comment: This sequence change affects a splice site in intron 13 of the NBN gene. It is expected to disrupt RNA splicing. Variants that disrupt the donor or acceptor splice site typically lead to a loss of protein function (PMID: 16199547), and loss-of-function variants in NBN are known to be pathogenic (PMID: 9590180, 16415040). This variant is not present in population databases (gnomAD no frequency). This variant has not been reported in the literature in individuals affected with NBN-related conditions. ClinVar contains an entry for this variant (Variation ID: 371189). Algorithms developed to predict the effect of sequence changes on RNA splicing suggest that this variant may disrupt the consensus splice site. In summary, the currently available evidence indicates that the variant is pathogenic, but additional data are needed to prove that conclusively. Therefore, this variant has been classified as Likely Pathogenic.

Ambry Genetics
Classification: Likely pathogenic for Hereditary cancer-predisposing syndrome. Last evaluated: 2024-02-05. Review status: criteria provided, single submitter. Criteria: Ambry Variant Classification Scheme 2023. Collection method: clinical testing. Allele origin: germline.
Comment: The c.2070+2delT intronic variant, located in intron 13 of the NBN gene, results from a deletion of one nucleotide within intron 13 of the NBN gene. This variant was not reported in population-based cohorts in the Genome Aggregation Database (gnomAD). In silico splice site analysis predicts that this alteration will weaken the native splice donor site and will result in the creation or strengthening of a novel splice donor site. Alterations that disrupt the canonical splice site are expected to cause aberrant splicing, resulting in an abnormal protein or a transcript that is subject to nonsense-mediated mRNA decay. As such, this alteration is classified as likely pathogenic.

Counsyl
Classification: Likely pathogenic for Microcephaly, normal intelligence and immunodeficiency. Last evaluated: 2016-07-22. Review status: no assertion criteria provided. Collection method: clinical testing. Allele origin: unknown. Not counted in ClinVar's aggregate classification.

Literature cited by the submitters: PubMed 16199547 (cited by Labcorp Genetics (formerly Invitae), Labcorp); PubMed 9590180 (cited by Labcorp Genetics (formerly Invitae), Labcorp); PubMed 16415040 (cited by Labcorp Genetics (formerly Invitae), Labcorp).

NM_002485.5(NBN):c.2070+2del

Gene: NBN (nibrin; minus strand). Cytogenetic location: 8q21.3.
Variant type: Deletion.
Coding change: c.2070+2del on transcript NM_002485.5 (MANE Select); the canonical splice donor site of the intron after coding-DNA position 2070, one base deleted (T; older notation c.2070+2delT).
Molecular consequence: splice donor variant.
Genome position (GRCh38, 1-based): chr8:89,946,138, A deleted on the plus strand (T on the coding strand, the reverse complement: NBN is on the minus strand). VCF-style (leftmost placement, unchanged base first): chr8-89946137-TA-T. GRCh37 (hg19) VCF-style: chr8-90958365-TA-T.
Other names: c.2070+2delT (NM_002485.4); c.1824+2del (NM_001024688.3).
Identifiers: ClinVar variation 371189 (VCV000371189.15), dbSNP rs1057517075, ClinGen allele CA16041201.
Genomic context (GRCh38, chr8:89,946,137, plus strand): 5'-ATCACTGGTATCTCTAAAAACATTTCAAACACTGACCTCTTGTGATACAGTTGAAATACC[TA>T]CCTTTTTGAATTTCTTGAAATTTTTTAGTTGACCATAATCATCATTTATGCCAGATGGAT-3'